The following is an entry in ClinVar:

ClinVar aggregate classification (germline): Uncertain significance. Review status: criteria provided, multiple submitters, no conflicts (2 of 4 stars). 5 submissions from 5 submitters: Uncertain significance (4). 1 of the submissions does not count toward it. Last evaluated 2025-07-11.

Conditions:
Cystic fibrosis (CF). Also called: MUCOVISCIDOSIS. Identifiers: Orphanet 586, MedGen C0010674, MONDO:0009061, OMIM 219700. Disease mechanism: loss of function.

Allele frequency attached by ClinVar (database versions not stated): gnomAD 0.00001; TOPMed 0.00001; gnomAD exomes 0.00002; ExAC 0.00004.
gnomAD v4.1: 24 of 1,612,822 alleles (0.0015%); highest among the groups gnomAD compares: South Asian, 0.0022%; no homozygotes.

Submissions (5):

Ambry Genetics
Classification: Uncertain significance for Cystic fibrosis. Last evaluated: 2025-07-11. Review status: criteria provided, single submitter. Criteria: Ambry Variant Classification Scheme 2023. Collection method: clinical testing. Allele origin: germline.
Comment: The p.R751C variant (also known as c.2251C>T), located in coding exon 14 of the CFTR gene, results from a C to T substitution at nucleotide position 2251. The arginine at codon 751 is replaced by cysteine, an amino acid with highly dissimilar properties. This amino acid position is well conserved in available vertebrate species. In addition, this alteration is predicted to be deleterious by in silico analysis. Based on the available evidence, the clinical significance of this variant remains unclear.

Labcorp Genetics (formerly Invitae), Labcorp
Classification: Uncertain significance for Cystic fibrosis. Last evaluated: 2022-02-23. Review status: criteria provided, single submitter. Criteria: Invitae Variant Classification Sherloc (09022015). Collection method: clinical testing. Allele origin: germline.
Comment: This sequence change replaces arginine, which is basic and polar, with cysteine, which is neutral and slightly polar, at codon 751 of the CFTR protein (p.Arg751Cys). This variant is present in population databases (rs772661780, gnomAD 0.004%). This variant has not been reported in the literature in individuals affected with CFTR-related conditions. ClinVar contains an entry for this variant (Variation ID: 595580). Algorithms developed to predict the effect of missense changes on protein structure and function are either unavailable or do not agree on the potential impact of this missense change (SIFT: "Deleterious"; PolyPhen-2: "Probably Damaging"; Align-GVGD: "Class C0"). In summary, the available evidence is currently insufficient to determine the role of this variant in disease. Therefore, it has been classified as a Variant of Uncertain Significance.

Genome-Nilou Lab
Classification: Uncertain significance for Cystic fibrosis. Last evaluated: 2021-09-05. Review status: criteria provided, single submitter. Criteria: ACMG Guidelines, 2015. Collection method: clinical testing. Allele origin: germline. Affected: no.

Eurofins Ntd Llc (ga)
Classification: Uncertain significance. Last evaluated: 2017-12-27. Review status: criteria provided, single submitter. Criteria: EGL Classification Definitions 2015. Collection method: clinical testing. Allele origin: germline. Observed: 1 variant allele, 1 heterozygote.

Natera, Inc.
Classification: Uncertain significance for Cystic Fibrosis. Last evaluated: 2020-09-16. Review status: no assertion criteria provided. Collection method: clinical testing. Allele origin: germline. Not counted in ClinVar's aggregate classification.

Literature cited by the submitters: PubMed 30600261 (cited by Ambry Genetics).

NM_000492.4(CFTR):c.2251C>T (p.Arg751Cys)

Gene: CFTR (CF transmembrane conductance regulator; plus strand). Cytogenetic location: 7q31.2.
Variant type: single nucleotide variant.
Coding change: c.2251C>T on transcript NM_000492.4 (MANE Select); coding-DNA position 2251, C replaced by T.
Protein change: p.Arg751Cys; replaces arginine 751 with cysteine.
Molecular consequence: missense variant.
Genome position (GRCh38, 1-based): chr7:117,592,418, C>T. VCF-style: chr7-117592418-C-T. GRCh37 (hg19) VCF-style: chr7-117232472-C-T.
Other names: short protein forms R751C.
Identifiers: ClinVar variation 595580 (VCV000595580.17), dbSNP rs772661780, ClinGen allele CA4451159.
Genomic context (GRCh38, chr7:117,592,418, plus strand): 5'-CCTTTAGAGAGAAGGCTGTCCTTAGTACCAGATTCTGAGCAGGGAGAGGCGATACTGCCT[C>T]GCATCAGCGTGATCAGCACTGGCCCCACGCTTCAGGCACGAAGGAGGCAGTCTGTCCTGA-3'
Protein context (NP_000483.3, residues 741-761): DSEQGEAILP[Arg751Cys]ISVISTGPTL